The following is an entry in ClinVar:

NM_032043.3(BRIP1):c.1361A>C (p.Glu454Ala)

Gene: BRIP1 (BRCA1 interacting DNA helicase 1; minus strand). Cytogenetic location: 17q23.2.
Variant type: single nucleotide variant.
Coding change: c.1361A>C on transcript NM_032043.3 (MANE Select); coding-DNA position 1361, A replaced by C.
Protein change: p.Glu454Ala; replaces glutamic acid 454 with alanine.
Molecular consequence: missense variant.
Genome position (GRCh38, 1-based): chr17:61,793,709, T>G on the plus strand (A>C on the coding strand, the complement: BRIP1 is on the minus strand). VCF-style: chr17-61793709-T-G. GRCh37 (hg19) VCF-style: chr17-59871070-T-G.
Other names: short protein forms E454A.
Identifiers: ClinVar variation 652643 (VCV000652643.11), dbSNP rs769918040, ClinGen allele CA400482281.
Genomic context (GRCh38, chr17:61,793,709, plus strand): 5'-AGCATTTCATTTCCACTCCATATTTTACAAGCTGATTCATAATCTCTTTCTACAAGATAT[T>G]CAGCGTTTGCTTCTAACCAACTGAAATAAAATAAAACAATTGTGTCAACCAGTATCATCC-3'
Protein context (NP_114432.2, residues 444-464): SLINWLEANA[Glu454Ala]YLVERDYESA

ClinVar aggregate classification (germline): Uncertain significance. Review status: criteria provided, multiple submitters, no conflicts (2 of 4 stars). 2 submissions from 2 submitters: Uncertain significance (2). Last evaluated 2023-09-10.

Conditions:
Hereditary cancer-predisposing syndrome. Also called: Hereditary Cancer Syndrome; Tumor predisposition; Neoplastic Syndromes, Hereditary; Hereditary neoplastic syndrome. Identifiers: Orphanet 140162, MedGen C0027672, MeSH D009386, MONDO:0015356.
Familial cancer of breast. Also called: hereditary breast carcinoma; BREAST CANCER, FAMILIAL; Hereditary breast cancer. Identifiers: Orphanet 227535, MedGen C0346153, MONDO:0016419, OMIM 114480. Disease mechanism: loss of function.
Fanconi anemia complementation group J. Also called: BRIP1-Related Fanconi Anemia. Identifiers: Orphanet 84, MedGen C1836860, MONDO:0012187, OMIM 609054.

gnomAD v4.1: 4 of 1,610,684 alleles (0.00025%); highest among the groups gnomAD compares: Non-Finnish European, 0.00034%; no homozygotes.

Submissions (2):

Ambry Genetics
Classification: Uncertain significance for Hereditary cancer-predisposing syndrome. Last evaluated: 2023-09-10. Review status: criteria provided, single submitter. Criteria: Ambry Variant Classification Scheme 2023. Collection method: clinical testing. Allele origin: germline.
Comment: The p.E454A variant (also known as c.1361A>C), located in coding exon 9 of the BRIP1 gene, results from an A to C substitution at nucleotide position 1361. The glutamic acid at codon 454 is replaced by alanine, an amino acid with dissimilar properties. This amino acid position is conserved. In addition, this alteration is predicted to be tolerated by in silico analysis. Since supporting evidence is limited at this time, the clinical significance of this alteration remains unclear.

Labcorp Genetics (formerly Invitae), Labcorp
Classification: Uncertain significance for Familial cancer of breast; Fanconi anemia complementation group J. Last evaluated: 2020-12-03. Review status: criteria provided, single submitter. Criteria: Invitae Variant Classification Sherloc (09022015). Collection method: clinical testing. Allele origin: germline.
Comment: This variant has not been reported in the literature in individuals with BRIP1-related disease. This variant is not present in population databases (ExAC no frequency). This sequence change replaces glutamic acid with alanine at codon 454 of the BRIP1 protein (p.Glu454Ala). The glutamic acid residue is weakly conserved and there is a moderate physicochemical difference between glutamic acid and alanine. Algorithms developed to predict the effect of missense changes on protein structure and function (SIFT, PolyPhen-2, Align-GVGD) all suggest that this variant is likely to be tolerated, but these predictions have not been confirmed by published functional studies and their clinical significance is uncertain. In summary, the available evidence is currently insufficient to determine the role of this variant in disease. Therefore, it has been classified as a Variant of Uncertain Significance.